The following is an entry in ClinVar:

NM_003742.4(ABCB11):c.340T>A (p.Trp114Arg)

Gene: ABCB11 (ATP binding cassette subfamily B member 11; minus strand). Cytogenetic location: 2q31.1.
Variant type: single nucleotide variant.
Coding change: c.340T>A on transcript NM_003742.4 (MANE Select); coding-DNA position 340, T replaced by A.
Protein change: p.Trp114Arg; replaces tryptophan 114 with arginine.
Molecular consequence: missense variant.
Genome position (GRCh38, 1-based): chr2:169,013,321, A>T on the plus strand (T>A on the coding strand, the complement: ABCB11 is on the minus strand). VCF-style: chr2-169013321-A-T. GRCh37 (hg19) VCF-style: chr2-169869831-A-T.
Other names: short protein forms W114R.
Identifiers: ClinVar variation 4846216 (VCV004846216.1).

ClinVar aggregate classification (germline): Uncertain significance (1 of 4 stars; one submission).

Conditions:
Familial intrahepatic cholestasis. Identifiers: Orphanet 284385, MedGen CN296401, MONDO:0017290.

Submission:

Genomenon, Inc
Classification: Uncertain significance for Familial intrahepatic cholestasis. Last evaluated: 2026-04-14. Review status: criteria provided, single submitter. Criteria: Genomenon Sequence Variant Interpretation Standards - Updated. Collection method: curation. Allele origin: germline. Affected: yes.
Comment: ABCB11 p.Trp114Arg (c.340T>A) is a missense variant that changes the amino acid at residue 114 from Tryptophan to Arginine. This variant has been observed in at least one proband with an ABCB11-related disorder (PMID:20232290). It is absent or not present at a significant frequency in gnomAD. In silico models predict that this variant is possibly or probably damaging. In conclusion, we classify ABCB11 p.Trp114Arg (c.340T>A) as a variant of uncertain significance.

Literature cited by the submitters: PubMed 20232290.